The following is an entry in ClinVar:

NC_012920.1(MT-TH):m.12176G>A

Gene: MT-TH (mitochondrially encoded tRNA histidine; plus strand).
Variant type: single nucleotide variant.
Genome position: chrM-12176-G-A.
Identifiers: ClinVar variation 690145 (VCV000690145.1), dbSNP rs1603223594, ClinGen allele CA913169589.

ClinVar aggregate classification (germline): Uncertain significance (1 of 4 stars; one submission).

Conditions:
MELAS syndrome (MELAS). Also called: Juvenile myopathy, encephalopathy, lactic acidosis, stroke. Identifiers: Orphanet 550, MedGen C0162671, MONDO:0010789, OMIM 540000.

Submission:

Wong Mito Lab, Molecular and Human Genetics, Baylor College of Medicine
Classification: Uncertain significance for MELAS syndrome. Last evaluated: 2019-07-12. Review status: criteria provided, single submitter. Criteria: Modified ACMG Guidelines (Unpublished). Collection method: clinical testing. Allele origin: germline.
Comment: The NC_012920.1:m.12176G>A variant in MT-TH gene is interpreted to be a Unknown Significance variant based on the modified ACMG guidelines (unpublished). This variant meets no criteria in the guidelines.

Literature cited by the submitters: PubMed 31965079.